The following is an entry in ClinVar:

NM_198578.4(LRRK2):c.512C>T (p.Pro171Leu)

Gene: LRRK2 (leucine rich repeat kinase 2; plus strand). Cytogenetic location: 12q12.
Variant type: single nucleotide variant.
Coding change: c.512C>T on transcript NM_198578.4 (MANE Select); coding-DNA position 512, C replaced by T.
Protein change: p.Pro171Leu; replaces proline 171 with leucine.
Molecular consequence: missense variant.
Genome position (GRCh38, 1-based): chr12:40,238,044, C>T. VCF-style: chr12-40238044-C-T. GRCh37 (hg19) VCF-style: chr12-40631846-C-T.
Other names: short protein forms P171L.
Identifiers: ClinVar variation 1745533 (VCV001745533.2), dbSNP rs2499419868, ClinGen allele CA384404073.
Genomic context (GRCh38, chr12:40,238,044, plus strand): 5'-TGATATTGGATGAAGAAAGTGATATTTTCATGTTAATTTTTGATGCCATGCACTCATTTC[C>T]AGCCAATGATGAAGTCCAGAAACTTGGATGCAAAGCTTTACATGTGCTGTTTGAGAGAGG-3'
Protein context (NP_940980.4, residues 161-181): MLIFDAMHSF[Pro171Leu]ANDEVQKLGC

ClinVar aggregate classification (germline): Uncertain significance (1 of 4 stars; one submission).

Conditions:
Inborn genetic diseases. Identifiers: MedGen C0950123, MeSH D030342.

Submission:

Ambry Genetics
Classification: Uncertain significance for Inborn genetic diseases. Last evaluated: 2021-12-18. Review status: criteria provided, single submitter. Criteria: Ambry Variant Classification Scheme 2023. Collection method: clinical testing. Allele origin: germline.
Comment: The p.P171L variant (also known as c.512C>T), located in coding exon 5 of the LRRK2 gene, results from a C to T substitution at nucleotide position 512. The proline at codon 171 is replaced by leucine, an amino acid with similar properties. This amino acid position is conserved. In addition, this alteration is predicted to be tolerated by in silico analysis. Since supporting evidence is limited at this time, the clinical significance of this alteration remains unclear.